The following is an entry in ClinVar:

NM_025114.4(CEP290):c.3823A>G (p.Ser1275Gly)

Gene: CEP290 (centrosomal protein 290; minus strand). Cytogenetic location: 12q21.32.
Variant type: single nucleotide variant.
Coding change: c.3823A>G on transcript NM_025114.4 (MANE Select); coding-DNA position 3823, A replaced by G.
Protein change: p.Ser1275Gly; replaces serine 1275 with glycine.
Molecular consequence: missense variant.
Genome position (GRCh38, 1-based): chr12:88,089,238, T>C on the plus strand (A>G on the coding strand, the complement: CEP290 is on the minus strand). VCF-style: chr12-88089238-T-C. GRCh37 (hg19) VCF-style: chr12-88483015-T-C.
Other names: c.3823A>G (NM_025114.3); short protein forms S1275G.
Identifiers: ClinVar variation 2156200 (VCV002156200.5), dbSNP rs2036828226, ClinGen allele CA386000633.
Genomic context (GRCh38, chr12:88,089,238, plus strand): 5'-TTTGTAGTTGAATCATTGTTTTGGAGAACTTTTCCTGTTGTGCCAAGGGTAAAGCTCCAC[T>C]AAACTGTCGTCGTAGAGACTGAATTGTTTGGCGCAGATGTTTTGCTCTGTTTCTTCCCTC-3'
Protein context (NP_079390.3, residues 1265-1285): QTIQSLRRQF[Ser1275Gly]GALPLAQQEK

ClinVar aggregate classification (germline): Uncertain significance. Review status: criteria provided, multiple submitters, no conflicts (2 of 4 stars). 4 submissions from 4 submitters: Uncertain significance (4). Last evaluated 2026-01-20.

Conditions:
CEP290-related disorder. Also called: CEP290-related disorders; CEP290-related condition. Identifiers: MedGen CN239314.
Inborn genetic diseases. Identifiers: MedGen C0950123, MeSH D030342.
Joubert syndrome. Also called: JOUBERT-BOLTSHAUSER SYNDROME; Familial aplasia of the vermis. Identifiers: Orphanet 475, MedGen C5979921, MONDO:0018772.
Nephronophthisis. Also called: Juvenile Nephronophthisis. Identifiers: Orphanet 655, MedGen C0687120, MONDO:0019005, HP:0000090.
Meckel-Gruber syndrome. Also called: DYSENCEPHALIA SPLANCHNOCYSTICA; GRUBER SYNDROME; Dysencephalia splachnocystica. Identifiers: Orphanet 564, MedGen C0265215, MONDO:0018921.

Allele frequency attached by ClinVar (database versions not stated): TOPMed below 0.00001.

Submissions (4):

PreventionGenetics, part of Exact Sciences
Classification: Uncertain significance for CEP290-related condition. Last evaluated: 2026-01-20. Review status: criteria provided, single submitter. Criteria: ACMG Guidelines, 2015. Collection method: clinical testing. Allele origin: germline.
Comment: The CEP290 c.3823A>G variant is predicted to result in the amino acid substitution p.Ser1275Gly. To our knowledge, this variant has not been reported in the literature or in a large population database, indicating this variant is rare. At this time, the clinical significance of this variant is uncertain due to the absence of conclusive functional and genetic evidence.

Ambry Genetics
Classification: Uncertain significance for Inborn genetic diseases. Last evaluated: 2025-05-21. Review status: criteria provided, single submitter. Criteria: Ambry Variant Classification Scheme 2023. Collection method: clinical testing. Allele origin: germline.

Blueprint Genetics
Classification: Uncertain significance. Last evaluated: 2022-07-05. Review status: criteria provided, single submitter. Criteria: ACMG Guidelines, 2015. Collection method: clinical testing. Allele origin: germline.

Labcorp Genetics (formerly Invitae), Labcorp
Classification: Uncertain significance for Joubert syndrome; Meckel-Gruber syndrome; Nephronophthisis. Last evaluated: 2022-07-03. Review status: criteria provided, single submitter. Criteria: Invitae Variant Classification Sherloc (09022015). Collection method: clinical testing. Allele origin: germline.
Comment: In summary, the available evidence is currently insufficient to determine the role of this variant in disease. Therefore, it has been classified as a Variant of Uncertain Significance. Algorithms developed to predict the effect of missense changes on protein structure and function are either unavailable or do not agree on the potential impact of this missense change (SIFT: "Tolerated"; PolyPhen-2: "Probably Damaging"; Align-GVGD: "Class C0"). This variant has not been reported in the literature in individuals affected with CEP290-related conditions. This variant is not present in population databases (gnomAD no frequency). This sequence change replaces serine, which is neutral and polar, with glycine, which is neutral and non-polar, at codon 1275 of the CEP290 protein (p.Ser1275Gly).